The following is an entry in ClinVar:

NM_006231.4(POLE):c.4551+15C>T

Gene: POLE (DNA polymerase epsilon, catalytic subunit; minus strand). Cytogenetic location: 12q24.33.
Variant type: single nucleotide variant.
Coding change: c.4551+15C>T on transcript NM_006231.4 (MANE Select); 15 bases into the intron after coding-DNA position 4551, C replaced by T.
Molecular consequence: intron variant.
Genome position (GRCh38, 1-based): chr12:132,643,209, G>A on the plus strand (C>T on the coding strand, the complement: POLE is on the minus strand). VCF-style: chr12-132643209-G-A. GRCh37 (hg19) VCF-style: chr12-133219795-G-A.
Identifiers: ClinVar variation 518128 (VCV000518128.15), dbSNP rs770422878, ClinGen allele CA6892807.
Genomic context (GRCh38, chr12:132,643,209, plus strand): 5'-GGCACCCTGGGAGATGTCCTCCTTCCCCAAACCCTGCCCCAGCCAATGTGCTGCCATGGA[G>A]GGCCCAGGACTCACAGTGTCCAGCACAAAGACGGATGCCCTGCGCTGTGAGGGGATGAAG-3'

ClinVar aggregate classification (germline): Likely benign. Review status: criteria provided, multiple submitters, no conflicts (2 of 4 stars). 3 submissions from 3 submitters: Likely benign (3). Last evaluated 2025-07-07.

Allele frequency attached by ClinVar (database versions not stated): gnomAD 0.00001; gnomAD exomes 0.00001 and 0.00004; ExAC 0.00002; TOPMed 0.00002.
gnomAD v4.1: 16 of 1,610,084 alleles (0.00099%); highest among the groups gnomAD compares: Admixed American, 0.017%; no homozygotes.

Submissions (3):

Labcorp Genetics (formerly Invitae), Labcorp
Classification: Likely benign. Last evaluated: 2025-07-07. Review status: criteria provided, single submitter. Criteria: Invitae Variant Classification Sherloc (09022015). Collection method: clinical testing. Allele origin: germline.

Center for Genomic Medicine, Rigshospitalet, Copenhagen University Hospital
Classification: Likely benign. Last evaluated: 2025-03-04. Review status: criteria provided, single submitter. Criteria: ACMG Guidelines, 2015. Collection method: clinical testing. Allele origin: germline.

GeneDx
Classification: Likely benign. Last evaluated: 2017-06-20. Review status: criteria provided, single submitter. Criteria: GeneDx Variant Classification (06012015). Collection method: clinical testing. Allele origin: germline. Affected: yes.
Comment: This variant is considered likely benign or benign based on one or more of the following criteria: it is a conservative change, it occurs at a poorly conserved position in the protein, it is predicted to be benign by multiple in silico algorithms, and/or has population frequency not consistent with disease.